The following is an entry in ClinVar:

ClinVar aggregate classification (germline): Pathogenic (1 of 4 stars; one submission).

Conditions:
X-linked Emery-Dreifuss muscular dystrophy. Also called: Muscular dystrophy, tardive Emery-Dreifuss type, with contractures. Identifiers: Orphanet 261, Orphanet 98863, MedGen C0751337, MONDO:0010680.

Submission:

Labcorp Genetics (formerly Invitae), Labcorp
Classification: Pathogenic for X-linked Emery-Dreifuss muscular dystrophy. Last evaluated: 2022-07-17. Review status: criteria provided, single submitter. Criteria: Invitae Variant Classification Sherloc (09022015). Collection method: clinical testing. Allele origin: germline.
Comment: For these reasons, this variant has been classified as Pathogenic. Algorithms developed to predict the effect of sequence changes on RNA splicing suggest that this variant may disrupt the consensus splice site. This sequence change creates a premature translational stop signal (p.Val27*) in the EMD gene. It is expected to result in an absent or disrupted protein product. Loss-of-function variants in EMD are known to be pathogenic (PMID: 24365856). This variant is not present in population databases (gnomAD no frequency). This variant has not been reported in the literature in individuals affected with EMD-related conditions.

Literature cited by the submitters: PubMed 24365856.

NM_000117.3(EMD):c.79del (p.Val26_Val27insTer)

Gene: EMD (emerin; plus strand). Cytogenetic location: Xq28.
Variant type: Deletion.
Coding change: c.79del on transcript NM_000117.3 (MANE Select); coding-DNA position 79, one base deleted (G; older notation c.79delG).
Protein change: p.Val26_Val27insTer.
Molecular consequence: nonsense.
Genome position (GRCh38, 1-based): chrX:154,379,563, G deleted. VCF-style (leftmost placement, unchanged base first): chrX-154379562-AG-A. GRCh37 (hg19) VCF-style: chrX-153607922-AG-A.
Identifiers: ClinVar variation 2004287 (VCV002004287.4), dbSNP rs2522787159, ClinGen allele CA2580101796.
Genomic context (GRCh38, chrX:154,379,562, plus strand): 5'-TCTTTCGGATACCGAGCTGACCACCTTGCTGCGCCGGTACAACATCCCGCACGGGCCTGT[AG>A]TAGGTACGCGGCGGCGGGCGGGACCCCTTCCGGGCCCCCTCCTCGTGCTCCGCCTCGCGA-3'